The following is an entry in ClinVar:

ClinVar aggregate classification (germline): Conflicting classifications of pathogenicity. Review status: criteria provided, conflicting classifications (1 of 4 stars). 4 submissions from 4 submitters: Pathogenic (2); Uncertain significance (1). 1 of the submissions does not count toward it. Last evaluated 2024-04-25.

Conditions:
Autosomal recessive congenital ichthyosis 6 (ARCI6). Identifiers: Orphanet 313, Orphanet 79394, MedGen C2677065, MONDO:0012847, OMIM 612281.
Lamellar ichthyosis. Identifiers: Orphanet 313, MedGen C5848247, MONDO:0017778.

Allele frequency attached by ClinVar (database versions not stated): TOPMed 0.00003; gnomAD 0.00005 and 0.00006; ESP Exome Variant Server 0.00008.
gnomAD v4.1: 45 of 1,603,526 alleles (0.0028%); highest among the groups gnomAD compares: Non-Finnish European, 0.0037%; no homozygotes.

Submissions (5):

Labcorp Genetics (formerly Invitae), Labcorp
Classification: Pathogenic. Last evaluated: 2024-04-25. Review status: criteria provided, single submitter. Criteria: Invitae Variant Classification Sherloc (09022015). Collection method: clinical testing. Allele origin: germline.
Comment: This sequence change falls in intron 2 of the NIPAL4 gene. It does not directly change the encoded amino acid sequence of the NIPAL4 protein. It affects a nucleotide within the consensus splice site. This variant is present in population databases (rs376074083, gnomAD 0.005%). This variant has been observed in individual(s) with congenital ichthyosis (PMID: 31347739). In at least one individual the data is consistent with being in trans (on the opposite chromosome) from a pathogenic variant. ClinVar contains an entry for this variant (Variation ID: 638538). Variants that disrupt the consensus splice site are a relatively common cause of aberrant splicing (PMID: 17576681, 9536098). Algorithms developed to predict the effect of sequence changes on RNA splicing suggest that this variant may disrupt the consensus splice site. For these reasons, this variant has been classified as Pathogenic.

Women's Health and Genetics/Laboratory Corporation of America, LabCorp
Classification: Pathogenic for Lamellar ichthyosis. Last evaluated: 2023-09-19. Review status: criteria provided, single submitter. Criteria: LabCorp Variant Classification Summary - May 2015. Collection method: clinical testing. Allele origin: germline.
Comment: Variant summary: NIPAL4 c.277+5G>A alters a conserved nucleotide located close to a canonical splice site and therefore could affect mRNA splicing, leading to a significantly altered protein sequence. Several computational tools predict a significant impact on normal splicing: Two predict the variant abolishes a canonical 5' splicing donor site, and two predict the variant weakens this site. At least one publication reports experimental evidence that this variant affects mRNA splicing, finding that it results in incorporation of part of intron 2 (Ballin_2019). The variant allele was found at a frequency of 1.3e-05 in 239084 control chromosomes (gnomAD). c.277+5G>A has been reported in the literature in individuals affected with Lamellar Ichthyosis who were compound heterozygous with another pathogenic variant (Ballin_2019). These data indicate that the variant is likely to be associated with disease. The following publication has been ascertained in the context of this evaluation (PMID: 31347739). Two submitters have cited clinical-significance assessments for this variant to ClinVar after 2014. One submitter classified the variant as pathogenic, and one submitter classified the variant as uncertain significance. Based on the evidence outlined above, the variant was classified as pathogenic.

Illumina Laboratory Services, Illumina
Classification: Uncertain significance for Autosomal recessive congenital ichthyosis 6. Last evaluated: 2018-01-13. Review status: criteria provided, single submitter. Criteria: ICSL Variant Classification Criteria 13 December 2019. Collection method: clinical testing. Allele origin: germline.

Institute for Human Genetics, University Medical Center Freiburg
Classification: Pathogenic for Autosomal recessive congenital ichthyosis 6. Last evaluated: 2019-05-16. Review status: no assertion criteria provided. Collection method: clinical testing. Allele origin: germline. Affected: yes. Not counted in ClinVar's aggregate classification.

Dr. Peter K. Rogan Lab, Western University
No classification provided (evidence only). Condition: Cervical cancer. Review status: no classification provided. Collection method: in vitro. Allele origin: not applicable. Functional consequence: retained intron. Not counted in ClinVar's aggregate classification.

Literature cited by the submitters: PubMed 31347739 (cited by Labcorp Genetics (formerly Invitae), Labcorp and Women's Health and Genetics/Laboratory Corporation of America, LabCorp); PubMed 17576681 (cited by Labcorp Genetics (formerly Invitae), Labcorp); PubMed 9536098 (cited by Labcorp Genetics (formerly Invitae), Labcorp).

NM_001099287.2(NIPAL4):c.277+5G>A

Gene: NIPAL4 (NIPA like domain containing 4; plus strand). Cytogenetic location: 5q33.3.
Variant type: single nucleotide variant.
Coding change: c.277+5G>A on transcript NM_001099287.2 (MANE Select); 5 bases into the intron after coding-DNA position 277, G replaced by A.
Molecular consequence: intron variant.
Genome position (GRCh38, 1-based): chr5:157,463,338, G>A. VCF-style: chr5-157463338-G-A. GRCh37 (hg19) VCF-style: chr5-156890346-G-A.
Other names: c.277+5G>A (NM_001172292.2).
Identifiers: ClinVar variation 638538 (VCV000638538.10), dbSNP rs376074083, ClinGen allele CA3534570.
Genomic context (GRCh38, chr5:157,463,338, plus strand): 5'-CATCCTCAAGAAGAAAGGCCTCTTGCGACTCGTGGCCACGGGAGCCACTCGAGCTGGTAG[G>A]TTCCTGGGCCAGGAGAGGATAGGGCCCAGGGCAGCTGAGCTCTCACAAGGTCCGGGGCTG-3'